The following is an entry in ClinVar:

ClinVar aggregate classification (germline): Uncertain significance (1 of 4 stars; one submission).

Conditions:
Cardiovascular phenotype. Identifiers: MedGen CN230736.

gnomAD v4.1: 6 of 1,614,126 alleles (0.00037%); highest among the groups gnomAD compares: Admixed American, 0.0083%; no homozygotes.

Submission:

Ambry Genetics
Classification: Uncertain significance for Cardiovascular phenotype. Last evaluated: 2024-12-09. Review status: criteria provided, single submitter. Criteria: Ambry Variant Classification Scheme 2023. Collection method: clinical testing. Allele origin: germline.
Comment: The p.R26I variant (also known as c.77G>T), located in coding exon 2 of the ABCG8 gene, results from a G to T substitution at nucleotide position 77. The arginine at codon 26 is replaced by isoleucine, an amino acid with similar properties. This amino acid position is conserved. In addition, this alteration is predicted to be tolerated by in silico analysis. Based on the available evidence, the clinical significance of this variant remains unclear.

NM_022437.3(ABCG8):c.77G>T (p.Arg26Ile)

Gene: ABCG8 (ATP binding cassette subfamily G member 8; plus strand). Cytogenetic location: 2p21.
Variant type: single nucleotide variant.
Coding change: c.77G>T on transcript NM_022437.3 (MANE Select); coding-DNA position 77, G replaced by T.
Protein change: p.Arg26Ile; replaces arginine 26 with isoleucine.
Molecular consequence: missense variant.
Genome position (GRCh38, 1-based): chr2:43,844,520, G>T. VCF-style: chr2-43844520-G-T. GRCh37 (hg19) VCF-style: chr2-44071659-G-T.
Other names: c.77G>T, p.Arg26Ile (NM_001357321.2); short protein forms R26I.
Identifiers: ClinVar variation 3420809 (VCV003420809.1).